The following is an entry in ClinVar:

ClinVar aggregate classification (germline): Benign/Likely benign. Review status: criteria provided, multiple submitters, no conflicts (2 of 4 stars). 2 submissions from 2 submitters: Benign (1); Likely benign (1). Last evaluated 2025-07-28.

Allele frequency attached by ClinVar (database versions not stated): gnomAD 0.00011; gnomAD exomes 0.00015; TOPMed 0.00016; ExAC 0.00020.
gnomAD v4.1: 244 of 1,613,340 alleles (0.015%); highest among the groups gnomAD compares: Admixed American, 0.01%; no homozygotes.

Submissions (2):

Labcorp Genetics (formerly Invitae), Labcorp
Classification: Benign. Last evaluated: 2025-07-28. Review status: criteria provided, single submitter. Criteria: Invitae Variant Classification Sherloc (09022015). Collection method: clinical testing. Allele origin: germline.

CeGaT Center for Human Genetics Tuebingen
Classification: Likely benign. Last evaluated: 2024-03-01. Review status: criteria provided, single submitter. Criteria: CeGaT Center For Human Genetics Tuebingen Variant Classification Criteria Version 2. Collection method: clinical testing. Allele origin: germline. Affected: yes. Observed: 1 variant allele.
Comment: WDR4: BP4, BP7

NM_018669.6(WDR4):c.138G>A (p.Lys46=)

Gene: WDR4 (WDR4 tRNA N7-guanosine methyltransferase non-catalytic subunit; minus strand). Cytogenetic location: 21q22.3.
Variant type: single nucleotide variant.
Coding change: c.138G>A on transcript NM_018669.6 (MANE Select); coding-DNA position 138, G replaced by A.
Protein change: p.Lys46=; no amino-acid change (lysine 46 retained).
Molecular consequence: synonymous variant. On other transcripts: 5 prime UTR variant (3), non-coding transcript variant (1).
Genome position (GRCh38, 1-based): chr21:42,876,719, C>T on the plus strand (G>A on the coding strand, the complement: WDR4 is on the minus strand). VCF-style: chr21-42876719-C-T. GRCh37 (hg19) VCF-style: chr21-44296829-C-T.
Other names: c.138G>A, p.Lys46= (NM_001260474.2, NM_033661.5); c.-249G>A (NM_001260475.2, NM_001260476.2, NM_001260477.2 and 1 more transcripts).
Identifiers: ClinVar variation 2171037 (VCV002171037.25), dbSNP rs200785846, ClinGen allele CA10046259.